The following is an entry in ClinVar:

NM_000719.7(CACNA1C):c.704del (p.Ala235fs)

Gene: CACNA1C (calcium voltage-gated channel subunit alpha1 C; plus strand). Cytogenetic location: 12p13.33.
Variant type: Deletion.
Coding change: c.704del on transcript NM_000719.7 (MANE Select); coding-DNA position 704, one base deleted (C; older notation c.704delC).
Protein change: p.Ala235fs; shifts the reading frame from alanine 235.
Molecular consequence: frameshift variant.
Genome position (GRCh38, 1-based): chr12:2,457,653, C deleted. VCF-style (leftmost placement, unchanged base first): chr12-2457652-GC-G. GRCh37 (hg19) VCF-style: chr12-2566818-GC-G.
Other names: c.704del, p.Ala235fs (NM_001129833.2, NM_001129834.2, NM_001129835.2 and 19 more transcripts); short protein forms A235fs.
Identifiers: ClinVar variation 4613766 (VCV004613766.1).

ClinVar aggregate classification (germline): Pathogenic (1 of 4 stars; one submission).

Conditions:
Cardiovascular phenotype. Identifiers: MedGen CN230736.

Submission:

Ambry Genetics
Classification: Pathogenic for Cardiovascular phenotype. Last evaluated: 2025-11-25. Review status: criteria provided, single submitter. Criteria: Ambry Variant Classification Scheme 2023. Collection method: clinical testing. Allele origin: germline.
Comment: The c.704delC pathogenic mutation, located in coding exon 5 of the CACNA1C gene, results from a deletion of one nucleotide at nucleotide position 704, causing a translational frameshift with a predicted alternate stop codon (p.A235Gfs*2). This alteration is expected to result in loss of function by premature protein truncation or nonsense-mediated mRNA decay. This variant is considered to be rare based on population cohorts in the Genome Aggregation Database (gnomAD). As such, this alteration is interpreted as a disease-causing mutation for CACNA1C-related neurodevelopmental disorder, however, it is unlikely to be causative of Timothy syndrome or LQTS without extracardiac findings.